The following is an entry in ClinVar:

NM_012401.4(PLXNB2):c.681C>T (p.Tyr227=)

Gene: PLXNB2 (plexin B2; minus strand). Cytogenetic location: 22q13.33.
Variant type: single nucleotide variant.
Coding change: c.681C>T on transcript NM_012401.4 (MANE Select); coding-DNA position 681, C replaced by T.
Protein change: p.Tyr227=; no amino-acid change (tyrosine 227 retained).
Molecular consequence: synonymous variant.
Genome position (GRCh38, 1-based): chr22:50,289,904, G>A on the plus strand (C>T on the coding strand, the complement: PLXNB2 is on the minus strand). VCF-style: chr22-50289904-G-A. GRCh37 (hg19) VCF-style: chr22-50728333-G-A.
Other names: c.681C>T, p.Tyr227= (NM_001376864.1, NM_001376865.1, NM_001376866.1 and 20 more transcripts).
Identifiers: ClinVar variation 3770445 (VCV003770445.13).

ClinVar aggregate classification (germline): Likely benign (1 of 4 stars; one submission).

gnomAD v4.1: 388 of 1,613,202 alleles (0.024%); highest among the groups gnomAD compares: Non-Finnish European, 0.025%; no homozygotes.

Submission:

CeGaT Center for Human Genetics Tuebingen
Classification: Likely benign. Last evaluated: 2026-05-01. Review status: criteria provided, single submitter. Criteria: CeGaT Center For Human Genetics Tuebingen Variant Classification Criteria Version 2. Collection method: clinical testing. Allele origin: germline. Affected: yes. Observed: 3 variant alleles.
Comment: PLXNB2: BP4, BP7